The following is an entry in ClinVar:

NM_020987.5(ANK3):c.5733C>T (p.Asp1911=)

Gene: ANK3 (ankyrin 3; minus strand). Cytogenetic location: 10q21.2.
Variant type: single nucleotide variant.
Coding change: c.5733C>T on transcript NM_020987.5 (MANE Select); coding-DNA position 5733, C replaced by T.
Protein change: p.Asp1911=; no amino-acid change (aspartic acid 1911 retained).
Molecular consequence: synonymous variant. On other transcripts: intron variant (4).
Genome position (GRCh38, 1-based): chr10:60,075,148, G>A on the plus strand (C>T on the coding strand, the complement: ANK3 is on the minus strand). VCF-style: chr10-60075148-G-A. GRCh37 (hg19) VCF-style: chr10-61834906-G-A.
Other names: c.4387+5389C>T (NM_001204403.2); c.4408+5389C>T (NM_001204404.2); c.4405+5389C>T (NM_001320874.2); c.1807+5389C>T (NM_001149.4).
Identifiers: ClinVar variation 1711258 (VCV001711258.35), dbSNP rs2492569115, ClinGen allele CA469993259.

ClinVar aggregate classification (germline): Likely benign. Review status: criteria provided, multiple submitters, no conflicts (2 of 4 stars). 2 submissions from 2 submitters: Likely benign (2). Last evaluated 2022-09-01.

Allele frequency attached by ClinVar (database versions not stated): gnomAD exomes below 0.00001.
gnomAD v4.1: 1 of 1,614,098 alleles (0.000062%); highest among the groups gnomAD compares: Non-Finnish European, 0.000085%; no homozygotes.

Submissions (2):

CeGaT Center for Human Genetics Tuebingen
Classification: Likely benign. Last evaluated: 2022-09-01. Review status: criteria provided, single submitter. Criteria: CeGaT Center For Human Genetics Tuebingen Variant Classification Criteria Version 2. Collection method: clinical testing. Allele origin: germline. Affected: yes. Observed: 1 variant allele.
Comment: ANK3: PM2:Supporting, BP4, BP7

Labcorp Genetics (formerly Invitae), Labcorp
Classification: Likely benign. Last evaluated: 2022-04-24. Review status: criteria provided, single submitter. Criteria: Invitae Variant Classification Sherloc (09022015). Collection method: clinical testing. Allele origin: germline.